The following is an entry in ClinVar:

ClinVar aggregate classification (germline): Likely pathogenic. Review status: reviewed by expert panel (3 of 4 stars). 3 submissions from 3 submitters: Likely pathogenic (1). 2 of the submissions do not count toward it. Last evaluated 2022-12-14.

Conditions:
Very long chain acyl-CoA dehydrogenase deficiency (ACADVLD). Also called: VLCAD Deficiency; Very Long-Chain Acyl-Coenzyme A Dehydrogenase Deficiency. Identifiers: Orphanet 26793, MedGen C3887523, MONDO:0008723, OMIM 201475.

Allele frequency attached by ClinVar (database versions not stated): gnomAD 0.00001; 1000 Genomes Project 0.00020; 1000 Genomes Project 30x 0.00031.
gnomAD v4.1: 1 of 1,614,122 alleles (0.000062%); highest among the groups gnomAD compares: Admixed American, 0.0017%; no homozygotes.

Submissions (3):

ClinGen ACADVL Variant Curation Expert Panel, ClinGen
Classification: Likely pathogenic for Very long chain acyl-CoA dehydrogenase deficiency. Last evaluated: 2022-12-14. Review status: reviewed by expert panel. Criteria: clingen acadvl acmg specifications v1. Collection method: curation. Allele origin: germline. Inheritance: Autosomal recessive inheritance.
Comment: The c.953C>T variant in ACADVL is a missense variant predicted to cause substitution of proline by leucine at amino acid 318 (p.Pro318Leu). This variant has been described in an individual with increased C14:1 acylcarnitine and fibroblasts derived from this individual showed a significantly reduced VLCAD enzyme activity, which is highly specific for very long chain acyl-CoA dehydrogenase (VLCAD) deficiency (PP4_moderate, PMID: 10529389). This individual also carried a pathogenic nonsense variant on the opposite chromosome (PM3). This variant is absent from gnomAD v2.1.1 (PM2_Supporting). The computational predictor REVEL gives a score of 0.947, which is above the threshold of 0.75, evidence that correlates with impact to ACADVL function (PP3). In summary, this variant meets the criteria to be classified as likely pathogenic for autosomal recessive VLCAD deficiency based on the ACMG/AMP criteria applied, as specified by the ClinGen ACADVL Variant Curation Expert Panel: PP4_moderate, PM3, PM2_Supporting, PP3 (ACADVL VCEP specifications version 1; approved November 8, 2021).

Labcorp Genetics (formerly Invitae), Labcorp
Classification: Pathogenic for Very long chain acyl-CoA dehydrogenase deficiency. Last evaluated: 2023-12-02. Review status: criteria provided, single submitter. Criteria: Invitae Variant Classification Sherloc (09022015). Collection method: clinical testing. Allele origin: germline. Not counted in ClinVar's aggregate classification.
Comment: This sequence change replaces proline, which is neutral and non-polar, with leucine, which is neutral and non-polar, at codon 318 of the ACADVL protein (p.Pro318Leu). This variant is not present in population databases (gnomAD no frequency). This missense change has been observed in individual(s) with clinical features of VLCAD deficiency (PMID: 10529389; Invitae). ClinVar contains an entry for this variant (Variation ID: 439361). Advanced modeling of protein sequence and biophysical properties (such as structural, functional, and spatial information, amino acid conservation, physicochemical variation, residue mobility, and thermodynamic stability) performed at Invitae indicates that this missense variant is expected to disrupt ACADVL protein function with a positive predictive value of 95%. For these reasons, this variant has been classified as Pathogenic.

ARUP Laboratories, Molecular Genetics and Genomics, ARUP Laboratories
Classification: Likely pathogenic. Last evaluated: 2017-03-02. Review status: criteria provided, single submitter. Criteria: ARUP Molecular Germline Variant Investigation Process. Collection method: clinical testing. Allele origin: germline. Not counted in ClinVar's aggregate classification.

Literature cited by the submitters: PubMed 10529389 (cited by Labcorp Genetics (formerly Invitae), Labcorp).

NM_000018.4(ACADVL):c.953C>T (p.Pro318Leu)

Gene: ACADVL (acyl-CoA dehydrogenase very long chain; plus strand). Cytogenetic location: 17p13.1.
Variant type: single nucleotide variant.
Coding change: c.953C>T on transcript NM_000018.4 (MANE Select); coding-DNA position 953, C replaced by T.
Protein change: p.Pro318Leu; replaces proline 318 with leucine.
Molecular consequence: missense variant.
Genome position (GRCh38, 1-based): chr17:7,222,741, C>T. VCF-style: chr17-7222741-C-T. GRCh37 (hg19) VCF-style: chr17-7126060-C-T.
Other names: NM_000018.4(ACADVL):c.953C>T; p.Pro318Leu; c.887C>T, p.Pro296Leu (NM_001033859.3); c.1022C>T, p.Pro341Leu (NM_001270447.2); c.725C>T, p.Pro242Leu (NM_001270448.2); short protein forms P242L, P318L, P341L, P296L.
Identifiers: ClinVar variation 439361 (VCV000439361.19), dbSNP rs201676770, ClinGen allele CA287437583.